The following is an entry in ClinVar:

NM_001330700.2(TOP2B):c.4739A>C (p.Asp1580Ala)

Gene: TOP2B (DNA topoisomerase II beta; minus strand). Cytogenetic location: 3p24.2.
Variant type: single nucleotide variant.
Coding change: c.4739A>C on transcript NM_001330700.2 (MANE Select); coding-DNA position 4739, A replaced by C.
Protein change: p.Asp1580Ala; replaces aspartic acid 1580 with alanine.
Molecular consequence: missense variant.
Genome position (GRCh38, 1-based): chr3:25,598,449, T>G on the plus strand (A>C on the coding strand, the complement: TOP2B is on the minus strand). VCF-style: chr3-25598449-T-G. GRCh37 (hg19) VCF-style: chr3-25639940-T-G.
Other names: c.4724A>C, p.Asp1575Ala (NM_001068.3); short protein forms D1575A, D1580A.
Identifiers: ClinVar variation 3001220 (VCV003001220.3), dbSNP rs761909414, ClinGen allele CA2287980.

ClinVar aggregate classification (germline): Uncertain significance (1 of 4 stars; one submission).

Allele frequency attached by ClinVar (database versions not stated): ExAC 0.00001; gnomAD exomes 0.00001.
gnomAD v4.1: 3 of 1,600,634 alleles (0.00019%); highest among the groups gnomAD compares: African/African-American, 0.0014%; no homozygotes.

Submission:

Labcorp Genetics (formerly Invitae), Labcorp
Classification: Uncertain significance. Last evaluated: 2023-12-15. Review status: criteria provided, single submitter. Criteria: Invitae Variant Classification Sherloc (09022015). Collection method: clinical testing. Allele origin: germline.
Comment: This sequence change replaces aspartic acid, which is acidic and polar, with alanine, which is neutral and non-polar, at codon 1575 of the TOP2B protein (p.Asp1575Ala). This variant is present in population databases (rs761909414, gnomAD 0.002%). This variant has not been reported in the literature in individuals affected with TOP2B-related conditions. An algorithm developed to predict the effect of missense changes on protein structure and function (PolyPhen-2) suggests that this variant is likely to be tolerated. In summary, the available evidence is currently insufficient to determine the role of this variant in disease. Therefore, it has been classified as a Variant of Uncertain Significance.